The following is an entry in ClinVar:

ClinVar aggregate classification (germline): Benign/Likely benign. Review status: criteria provided, multiple submitters, no conflicts (2 of 4 stars). 2 submissions from 2 submitters: Benign (1); Likely benign (1). Last evaluated 2026-06-04.

Conditions:
TRRAP-related disorder. Also called: TRRAP-related condition.

gnomAD v4.1: 92 of 1,613,396 alleles (0.0057%); highest among the groups gnomAD compares: South Asian, 0.08%; no homozygotes.

Submissions (2):

PreventionGenetics, part of Exact Sciences
Classification: Likely benign for TRRAP-related condition. Last evaluated: 2026-06-04. Review status: criteria provided, single submitter. Criteria: ACMG Guidelines, 2015. Collection method: clinical testing. Allele origin: germline.
Comment: This variant is classified as likely benign based on ACMG/AMP sequence variant interpretation guidelines (Richards et al. 2015 PMID: 25741868, with internal and published modifications).

Labcorp Genetics (formerly Invitae), Labcorp
Classification: Benign. Last evaluated: 2025-04-15. Review status: criteria provided, single submitter. Criteria: Invitae Variant Classification Sherloc (09022015). Collection method: clinical testing. Allele origin: germline.

NM_001375524.1(TRRAP):c.4971G>T (p.Val1657=)

Genes: TRRAP (transformation/transcription domain associated protein; plus strand), LOC126860121 (MED14-independent group 3 enhancer GRCh37_chr7:98547245-98548444; plus strand). Cytogenetic location: 7q22.1.
Variant type: single nucleotide variant.
Coding change: c.4971G>T on transcript NM_001375524.1 (MANE Select); coding-DNA position 4971, G replaced by T.
Protein change: p.Val1657=; no amino-acid change (valine 1657 retained).
Molecular consequence: synonymous variant.
Genome position (GRCh38, 1-based): chr7:98,949,677, G>T. VCF-style: chr7-98949677-G-T. GRCh37 (hg19) VCF-style: chr7-98547300-G-T.
Other names: c.4896G>T (NM_003496.3); c.4950G>T, p.Val1650= (NM_001244580.2); c.4896G>T, p.Val1632= (NM_003496.4).
Identifiers: ClinVar variation 4692773 (VCV004692773.2).
Genomic context (GRCh38, chr7:98,949,677, plus strand): 5'-GTTTAATCGAGACACGGTTCCCTAATTATCTCTTCTTTGACAGATCATAAGCATTATAGT[G>T]AAAAACGATGACTCCTGGCTGGCCAGCCAGCACTCTCTGGTGAGCCAGTTGCGACGTGTG-3'
Protein context (NP_001362453.1, residues 1647-1667): FQAIKIISII[Val1657=]KNDDSWLASQ